The following is an entry in ClinVar:

ClinVar aggregate classification (germline): Conflicting classifications of pathogenicity. Review status: criteria provided, conflicting classifications (1 of 4 stars). 5 submissions from 5 submitters: Uncertain significance (2); Benign (1); Likely benign (1). 1 of the submissions does not count toward it. Last evaluated 2026-02-02.

Conditions:
Methylmalonic aciduria, cblB type (MACB). Also called: METHYLMALONIC ACIDURIA, VITAMIN B12-RESPONSIVE, DUE TO DEFECT IN SYNTHESIS OF ADENOSYLCOBALAMIN, cblB TYPE; Methylmalonic acidemia cblB type; Vitamin B12-responsive methylmalonic acidemia type cblB. Identifiers: Orphanet 28, Orphanet 79311, MedGen C1855102, MONDO:0009614, OMIM 251110.

Allele frequency attached by ClinVar (database versions not stated): ExAC 0.00005; gnomAD 0.00014 and 0.00028; TOPMed 0.00045; gnomAD exomes 0.00056; 1000 Genomes Project 0.00200; 1000 Genomes Project 30x 0.00203.
gnomAD v4.1: 322 of 1,549,916 alleles (0.021%); highest among the groups gnomAD compares: East Asian, 0.67%; 3 homozygotes.

Submissions (5):

Labcorp Genetics (formerly Invitae), Labcorp
Classification: Benign for Methylmalonic aciduria, cblB type. Last evaluated: 2026-02-02. Review status: criteria provided, single submitter. Criteria: Invitae Variant Classification Sherloc (09022015). Collection method: clinical testing. Allele origin: germline.

Illumina Laboratory Services, Illumina
Classification: Uncertain significance for Methylmalonic aciduria, cblB type. Last evaluated: 2018-01-13. Review status: criteria provided, single submitter. Criteria: ICSL Variant Classification Criteria 13 December 2019. Collection method: clinical testing. Allele origin: germline.

GeneDx
Classification: Likely benign. Last evaluated: 2016-07-20. Review status: criteria provided, single submitter. Criteria: GeneDx Variant Classification (06012015). Collection method: clinical testing. Allele origin: germline. Affected: yes.
Comment: This variant is considered likely benign or benign based on one or more of the following criteria: it is a conservative change, it occurs at a poorly conserved position in the protein, it is predicted to be benign by multiple in silico algorithms, and/or has population frequency not consistent with disease.

Eurofins Ntd Llc (ga)
Classification: Uncertain significance. Last evaluated: 2016-04-27. Review status: criteria provided, single submitter. Criteria: EGL Classification Definitions 2015. Collection method: clinical testing. Allele origin: germline. Observed: 1 variant allele, 1 heterozygote.

Natera, Inc.
Classification: Benign for Methylmalonic aciduria cblB type. Last evaluated: 2019-10-22. Review status: no assertion criteria provided. Collection method: clinical testing. Allele origin: germline. Not counted in ClinVar's aggregate classification.

NM_052845.4(MMAB):c.444G>A (p.Gly148=)

Gene: MMAB (metabolism of cobalamin associated B; minus strand). Cytogenetic location: 12q24.11.
Variant type: single nucleotide variant.
Coding change: c.444G>A on transcript NM_052845.4 (MANE Select); coding-DNA position 444, G replaced by A.
Protein change: p.Gly148=; no amino-acid change (glycine 148 retained).
Molecular consequence: synonymous variant. On other transcripts: non-coding transcript variant (1).
Genome position (GRCh38, 1-based): chr12:109,561,495, C>T on the plus strand (G>A on the coding strand, the complement: MMAB is on the minus strand). VCF-style: chr12-109561495-C-T. GRCh37 (hg19) VCF-style: chr12-109999300-C-T.
Identifiers: ClinVar variation 287810 (VCV000287810.23), dbSNP rs117269384, ClinGen allele CA6778896.